The following is an entry in ClinVar:

NM_020376.4(PNPLA2):c.1327C>G (p.Leu443Val)

Gene: PNPLA2 (patatin like domain 2, triacylglycerol lipase; plus strand). Cytogenetic location: 11p15.5.
Variant type: single nucleotide variant.
Coding change: c.1327C>G on transcript NM_020376.4 (MANE Select); coding-DNA position 1327, C replaced by G.
Protein change: p.Leu443Val; replaces leucine 443 with valine.
Molecular consequence: missense variant.
Genome position (GRCh38, 1-based): chr11:824,674, C>G. VCF-style: chr11-824674-C-G. GRCh37 (hg19) VCF-style: chr11-824674-C-G.
Other names: p.Leu443Val; short protein forms L443V.
Identifiers: ClinVar variation 261232 (VCV000261232.22), dbSNP rs182948893, ClinGen allele CA5791369.

ClinVar aggregate classification (germline): Conflicting classifications of pathogenicity. Review status: criteria provided, conflicting classifications (1 of 4 stars). 6 submissions from 6 submitters: Uncertain significance (2); Likely benign (4). Last evaluated 2026-01-24.

Conditions:
Inborn genetic diseases. Identifiers: MedGen C0950123, MeSH D030342.
Neutral lipid storage myopathy (NLSDM). Also called: NEUTRAL LIPID STORAGE DISEASE WITHOUT ICHTHYOSIS. Identifiers: Orphanet 98908, MedGen C1853136, MONDO:0012545, OMIM 610717.

Allele frequency attached by ClinVar (database versions not stated): gnomAD exomes 0.00019 and 0.00039; ExAC 0.00068; ESP Exome Variant Server 0.00086; 1000 Genomes Project 0.00120; 1000 Genomes Project 30x 0.00125; gnomAD 0.00190 and 0.00210; TOPMed 0.00209.
gnomAD v4.1: 578 of 1,597,054 alleles (0.036%); highest among the groups gnomAD compares: African/African-American, 0.71%; 3 homozygotes.

Submissions (6):

Labcorp Genetics (formerly Invitae), Labcorp
Classification: Likely benign for Neutral lipid storage myopathy. Last evaluated: 2026-01-24. Review status: criteria provided, single submitter. Criteria: Invitae Variant Classification Sherloc (09022015). Collection method: clinical testing. Allele origin: germline.

Mayo Clinic Laboratories, Mayo Clinic
Classification: Likely benign. Last evaluated: 2025-04-02. Review status: criteria provided, single submitter. Criteria: ACMG Guidelines, 2015. Collection method: clinical testing. Allele origin: germline. Observed: 3 variant alleles.
Comment: BS1, BP4_moderate

Blueprint Genetics
Classification: Uncertain significance. Last evaluated: 2024-11-13. Review status: criteria provided, single submitter. Criteria: ACMG Guidelines, 2015. Collection method: clinical testing. Allele origin: germline.

Ambry Genetics
Classification: Uncertain significance for Inborn genetic diseases. Last evaluated: 2021-09-17. Review status: criteria provided, single submitter. Criteria: Ambry Variant Classification Scheme 2023. Collection method: clinical testing. Allele origin: germline.

Illumina Laboratory Services, Illumina
Classification: Likely benign for Neutral lipid storage myopathy. Last evaluated: 2018-01-12. Review status: criteria provided, single submitter. Criteria: ICSL Variant Classification Criteria 13 December 2019. Collection method: clinical testing. Allele origin: germline.
Comment: This variant was observed in the ICSL laboratory as part of a predisposition screen in an ostensibly healthy population. It had not been previously curated by ICSL or reported in the Human Gene Mutation Database (HGMD: prior to June 1st, 2018), and was therefore a candidate for classification through an automated scoring system. Utilizing variant allele frequency, disease prevalence and penetrance estimates, and inheritance mode, an automated score was calculated to assess if this variant is too frequent to cause the disease. Based on the score and internal cut-off values, a variant classified as likely benign is not then subjected to further curation. The score for this variant resulted in a classification of likely benign for this disease.

PreventionGenetics, part of Exact Sciences
Classification: Likely benign. Review status: criteria provided, single submitter. Criteria: ACMG Guidelines, 2015. Collection method: clinical testing. Allele origin: germline.